The following is an entry in ClinVar:

ClinVar aggregate classification (germline): Uncertain significance. Review status: criteria provided, multiple submitters, no conflicts (2 of 4 stars). 2 submissions from 2 submitters: Uncertain significance (2). Last evaluated 2024-07-10.

Conditions:
Neurofibromatosis, type 2 (SWNV). Also called: NF2-Related Schwannomatosis; BILATERAL ACOUSTIC NEUROFIBROMATOSIS; SCHWANNOMATOSIS, VESTIBULAR. Identifiers: Orphanet 637, MedGen C0027832, MONDO:0007039, OMIM 101000. Disease mechanism: loss of function.

gnomAD v4.1: 1 of 1,605,074 alleles (0.000062%); highest among the groups gnomAD compares: South Asian, 0.0011%; no homozygotes.

Submissions (2):

Labcorp Genetics (formerly Invitae), Labcorp
Classification: Uncertain significance for Neurofibromatosis, type 2. Last evaluated: 2024-07-10. Review status: criteria provided, single submitter. Criteria: Invitae Variant Classification Sherloc (09022015). Collection method: clinical testing. Allele origin: germline.
Comment: This sequence change replaces lysine, which is basic and polar, with arginine, which is basic and polar, at codon 15 of the NF2 protein (p.Lys15Arg). This variant is not present in population databases (gnomAD no frequency). This variant has not been reported in the literature in individuals affected with NF2-related conditions. An algorithm developed to predict the effect of missense changes on protein structure and function (PolyPhen-2) suggests that this variant is likely to be tolerated. In summary, the available evidence is currently insufficient to determine the role of this variant in disease. Therefore, it has been classified as a Variant of Uncertain Significance.

All of Us Research Program, National Institutes of Health
Classification: Uncertain significance for Neurofibromatosis, type 2. Last evaluated: 2024-03-05. Review status: criteria provided, single submitter. Criteria: ACMG Guidelines, 2015. Collection method: clinical testing. Allele origin: germline. Inheritance: Autosomal dominant inheritance. Observed: 1 variant allele, 1 heterozygote.
Comment: This study involves interpretation of variants in research participants for the purpose of population health screening. Participant phenotype was not available at the time of variant classification. Additional details can be found in publication PMID: 35346344, PMCID: PMC8962531

NM_000268.4(NF2):c.44A>G (p.Lys15Arg)

Gene: NF2 (NF2, moesin-ezrin-radixin like (MERLIN) tumor suppressor; plus strand). Cytogenetic location: 22q12.2.
Variant type: single nucleotide variant.
Coding change: c.44A>G on transcript NM_000268.4 (MANE Select); coding-DNA position 44, A replaced by G.
Protein change: p.Lys15Arg; replaces lysine 15 with arginine.
Molecular consequence: missense variant. On other transcripts: 5 prime UTR variant (4), non-coding transcript variant (1).
Genome position (GRCh38, 1-based): chr22:29,604,042, A>G. VCF-style: chr22-29604042-A-G. GRCh37 (hg19) VCF-style: chr22-30000031-A-G.
Other names: c.44A>G, p.Lys15Arg (NM_001407064.1, NM_001407066.1, NM_016418.5 and 15 more transcripts); c.-597A>G (NM_001407065.1); c.-213A>G (NM_001407067.1); c.-187A>G (NM_001407053.1, NM_001407056.1); short protein forms K15R.
Identifiers: ClinVar variation 3387394 (VCV003387394.3).